The following is an entry in ClinVar:

NM_001112726.3(CEP170B):c.3879-8G>A

Gene: CEP170B (centrosomal protein 170B; plus strand). Cytogenetic location: 14q32.33.
Variant type: single nucleotide variant.
Coding change: c.3879-8G>A on transcript NM_001112726.3 (MANE Select); 8 bases into the intron before coding-DNA position 3879, G replaced by A.
Molecular consequence: intron variant.
Genome position (GRCh38, 1-based): chr14:104,892,968, G>A. VCF-style: chr14-104892968-G-A. GRCh37 (hg19) VCF-style: chr14-105359305-G-A.
Other names: NC_000014.8:g.105359305G>A; c.3774-8G>A (NM_015005.3).
Identifiers: ClinVar variation 3056271 (VCV003056271.3), dbSNP rs3742938, ClinGen allele CA7376306.

ClinVar aggregate classification (germline): Benign (0 of 4 stars; one submission).

Conditions:
CEP170B-related disorder. Also called: CEP170B-related condition.

Allele frequency attached by ClinVar (database versions not stated): ESP Exome Variant Server 0.01729; 1000 Genomes Project 0.02935; 1000 Genomes Project 30x 0.03061; ExAC 0.05093.
gnomAD v4.1: 53,943 of 1,557,442 alleles (3.5%); highest among the groups gnomAD compares: Middle Eastern, 5.3%; 1,064 homozygotes.

Submissions (30):

PreventionGenetics, part of Exact Sciences
Classification: Benign for CEP170B-related condition. Last evaluated: 2020-02-27. Review status: no assertion criteria provided. Collection method: clinical testing. Allele origin: germline.
Comment: This variant is classified as benign based on ACMG/AMP sequence variant interpretation guidelines (Richards et al. 2015 PMID: 25741868, with internal and published modifications).

Dr. Peter K. Rogan Lab, Western University
No classification provided (evidence only). Condition: Lung cancer. Review status: no classification provided. Collection method: in vitro. Allele origin: not applicable. Functional consequence: skipped exon. Not counted in ClinVar's aggregate classification.

Dr. Peter K. Rogan Lab, Western University
No classification provided (evidence only). Condition: Lung cancer. Review status: no classification provided. Collection method: in vitro. Allele origin: not applicable. Functional consequence: skipped exon. Not counted in ClinVar's aggregate classification.

Dr. Peter K. Rogan Lab, Western University
No classification provided (evidence only). Condition: Acute myeloid leukemia. Review status: no classification provided. Collection method: in vitro. Allele origin: not applicable. Functional consequence: retained intron. Not counted in ClinVar's aggregate classification.

Dr. Peter K. Rogan Lab, Western University
No classification provided (evidence only). Condition: Uterine corpus endometrial carcinoma. Review status: no classification provided. Collection method: in vitro. Allele origin: not applicable. Functional consequence: retained intron. Not counted in ClinVar's aggregate classification.

Dr. Peter K. Rogan Lab, Western University
No classification provided (evidence only). Condition: Uterine corpus endometrial carcinoma. Review status: no classification provided. Collection method: in vitro. Allele origin: not applicable. Functional consequence: retained intron. Not counted in ClinVar's aggregate classification.

Dr. Peter K. Rogan Lab, Western University
No classification provided (evidence only). Condition: Uterine corpus endometrial carcinoma. Review status: no classification provided. Collection method: in vitro. Allele origin: not applicable. Functional consequence: retained intron. Not counted in ClinVar's aggregate classification.

Dr. Peter K. Rogan Lab, Western University
No classification provided (evidence only). Condition: Uterine corpus endometrial carcinoma. Review status: no classification provided. Collection method: in vitro. Allele origin: not applicable. Functional consequence: retained intron. Not counted in ClinVar's aggregate classification.

Dr. Peter K. Rogan Lab, Western University
No classification provided (evidence only). Condition: Uterine corpus endometrial carcinoma. Review status: no classification provided. Collection method: in vitro. Allele origin: not applicable. Functional consequence: retained intron. Not counted in ClinVar's aggregate classification.

Dr. Peter K. Rogan Lab, Western University
No classification provided (evidence only). Condition: Uterine corpus endometrial carcinoma. Review status: no classification provided. Collection method: in vitro. Allele origin: not applicable. Functional consequence: retained intron. Not counted in ClinVar's aggregate classification.

Dr. Peter K. Rogan Lab, Western University
No classification provided (evidence only). Condition: Cervical cancer. Review status: no classification provided. Collection method: in vitro. Allele origin: not applicable. Functional consequence: retained intron. Not counted in ClinVar's aggregate classification.

Dr. Peter K. Rogan Lab, Western University
No classification provided (evidence only). Condition: Cervical cancer. Review status: no classification provided. Collection method: in vitro. Allele origin: not applicable. Functional consequence: retained intron. Not counted in ClinVar's aggregate classification.

Dr. Peter K. Rogan Lab, Western University
No classification provided (evidence only). Condition: Cervical cancer. Review status: no classification provided. Collection method: in vitro. Allele origin: not applicable. Functional consequence: retained intron. Not counted in ClinVar's aggregate classification.

Dr. Peter K. Rogan Lab, Western University
No classification provided (evidence only). Condition: Cervical cancer. Review status: no classification provided. Collection method: in vitro. Allele origin: not applicable. Functional consequence: retained intron. Not counted in ClinVar's aggregate classification.

Dr. Peter K. Rogan Lab, Western University
No classification provided (evidence only). Condition: Cervical cancer. Review status: no classification provided. Collection method: in vitro. Allele origin: not applicable. Functional consequence: retained intron. Not counted in ClinVar's aggregate classification.

Dr. Peter K. Rogan Lab, Western University
No classification provided (evidence only). Condition: Cervical cancer. Review status: no classification provided. Collection method: in vitro. Allele origin: not applicable. Functional consequence: retained intron. Not counted in ClinVar's aggregate classification.

Dr. Peter K. Rogan Lab, Western University
No classification provided (evidence only). Condition: Cervical cancer. Review status: no classification provided. Collection method: in vitro. Allele origin: not applicable. Functional consequence: retained intron. Not counted in ClinVar's aggregate classification.

Dr. Peter K. Rogan Lab, Western University
No classification provided (evidence only). Condition: Sarcoma. Review status: no classification provided. Collection method: in vitro. Allele origin: not applicable. Functional consequence: skipped exon. Not counted in ClinVar's aggregate classification.

Dr. Peter K. Rogan Lab, Western University
No classification provided (evidence only). Condition: Sarcoma. Review status: no classification provided. Collection method: in vitro. Allele origin: not applicable. Functional consequence: retained intron. Not counted in ClinVar's aggregate classification.

Dr. Peter K. Rogan Lab, Western University
No classification provided (evidence only). Condition: Sarcoma. Review status: no classification provided. Collection method: in vitro. Allele origin: not applicable. Functional consequence: retained intron. Not counted in ClinVar's aggregate classification.

Dr. Peter K. Rogan Lab, Western University
No classification provided (evidence only). Condition: Sarcoma. Review status: no classification provided. Collection method: in vitro. Allele origin: not applicable. Functional consequence: retained intron. Not counted in ClinVar's aggregate classification.

Dr. Peter K. Rogan Lab, Western University
No classification provided (evidence only). Condition: Cholangiocarcinoma. Review status: no classification provided. Collection method: in vitro. Allele origin: not applicable. Functional consequence: retained intron. Not counted in ClinVar's aggregate classification.

Dr. Peter K. Rogan Lab, Western University
No classification provided (evidence only). Condition: Ovarian serous cystadenocarcinoma. Review status: no classification provided. Collection method: in vitro. Allele origin: not applicable. Functional consequence: retained intron. Not counted in ClinVar's aggregate classification.

Dr. Peter K. Rogan Lab, Western University
No classification provided (evidence only). Condition: Ovarian serous cystadenocarcinoma. Review status: no classification provided. Collection method: in vitro. Allele origin: not applicable. Functional consequence: retained intron. Not counted in ClinVar's aggregate classification.

Dr. Peter K. Rogan Lab, Western University
No classification provided (evidence only). Condition: Ovarian serous cystadenocarcinoma. Review status: no classification provided. Collection method: in vitro. Allele origin: not applicable. Functional consequence: retained intron. Not counted in ClinVar's aggregate classification.

Dr. Peter K. Rogan Lab, Western University
No classification provided (evidence only). Condition: Ovarian serous cystadenocarcinoma. Review status: no classification provided. Collection method: in vitro. Allele origin: not applicable. Functional consequence: retained intron. Not counted in ClinVar's aggregate classification.

Dr. Peter K. Rogan Lab, Western University
No classification provided (evidence only). Condition: Ovarian serous cystadenocarcinoma. Review status: no classification provided. Collection method: in vitro. Allele origin: not applicable. Functional consequence: retained intron. Not counted in ClinVar's aggregate classification.

Dr. Peter K. Rogan Lab, Western University
No classification provided (evidence only). Condition: Uterine carcinosarcoma. Review status: no classification provided. Collection method: in vitro. Allele origin: not applicable. Functional consequence: skipped exon, retained intron. Not counted in ClinVar's aggregate classification.

Dr. Peter K. Rogan Lab, Western University
No classification provided (evidence only). Condition: Uterine carcinosarcoma. Review status: no classification provided. Collection method: in vitro. Allele origin: not applicable. Functional consequence: retained intron. Not counted in ClinVar's aggregate classification.

Dr. Peter K. Rogan Lab, Western University
No classification provided (evidence only). Condition: Uterine carcinosarcoma. Review status: no classification provided. Collection method: in vitro. Allele origin: not applicable. Functional consequence: retained intron. Not counted in ClinVar's aggregate classification.